The following is an entry in ClinVar:

NM_000145.4(FSHR):c.31T>G (p.Phe11Val)

Gene: FSHR (follicle stimulating hormone receptor; minus strand). Cytogenetic location: 2p16.3.
Variant type: single nucleotide variant.
Coding change: c.31T>G on transcript NM_000145.4 (MANE Select); coding-DNA position 31, T replaced by G.
Protein change: p.Phe11Val; replaces phenylalanine 11 with valine.
Molecular consequence: missense variant.
Genome position (GRCh38, 1-based): chr2:49,154,387, A>C on the plus strand (T>G on the coding strand, the complement: FSHR is on the minus strand). VCF-style: chr2-49154387-A-C. GRCh37 (hg19) VCF-style: chr2-49381526-A-C.
Other names: c.31T>G, p.Phe11Val (NM_181446.3); short protein forms F11V.
Identifiers: ClinVar variation 2369161 (VCV002369161.3), dbSNP rs551113676, ClinGen allele CA1654154.

ClinVar aggregate classification (germline): Uncertain significance. Review status: criteria provided, single submitter (1 of 4 stars). 2 submissions from 2 submitters: Uncertain significance (1). 1 of the submissions does not count toward it. Last evaluated 2022-01-27.

Conditions:
FSHR-related disorder. Also called: FSHR-related condition; FSHR-related disorders.
Inborn genetic diseases. Identifiers: MedGen C0950123, MeSH D030342.

Allele frequency attached by ClinVar (database versions not stated): TOPMed 0.00004; gnomAD exomes 0.00005; gnomAD 0.00006; ExAC 0.00007.
gnomAD v4.1: 78 of 1,613,126 alleles (0.0048%); highest among the groups gnomAD compares: Middle Eastern, 0.056%; no homozygotes.

Submissions (2):

Ambry Genetics
Classification: Uncertain significance for Inborn genetic diseases. Last evaluated: 2022-01-27. Review status: criteria provided, single submitter. Criteria: Ambry Variant Classification Scheme 2023. Collection method: clinical testing. Allele origin: germline.

PreventionGenetics, part of Exact Sciences
Classification: Uncertain significance for FSHR-related condition. Last evaluated: 2024-08-29. Review status: no assertion criteria provided. Collection method: clinical testing. Allele origin: germline. Not counted in ClinVar's aggregate classification.
Comment: The FSHR c.31T>G variant is predicted to result in the amino acid substitution p.Phe11Val. To our knowledge, this variant has not been reported in the literature. This variant is reported in 0.020% of alleles in individuals of South Asian descent in gnomAD. At this time, the clinical significance of this variant is uncertain due to the absence of conclusive functional and genetic evidence.